The following is an entry in ClinVar:

ClinVar aggregate classification (germline): Benign (1 of 4 stars; one submission).

Conditions:
Glucocorticoid deficiency 1 (GCCD1). Also called: FAMILIAL GLUCOCORTICOID DEFICIENCY 1; Adrenal unresponsiveness to acth; Glucocorticoid deficiency, due to ACTH unresponsiveness. Identifiers: Orphanet 361, MedGen C4049650, MONDO:0024536, OMIM 202200.

Allele frequency attached by ClinVar (database versions not stated): gnomAD 0.00081 and 0.00115; TOPMed 0.00107; 1000 Genomes Project 0.00479; 1000 Genomes Project 30x 0.00484.

Submission:

Illumina Laboratory Services, Illumina
Classification: Benign for Glucocorticoid deficiency 1. Last evaluated: 2018-01-13. Review status: criteria provided, single submitter. Criteria: ICSL Variant Classification Criteria 13 December 2019. Collection method: clinical testing. Allele origin: germline.
Comment: This variant was observed in the ICSL laboratory as part of a predisposition screen in an ostensibly healthy population. It had not been previously curated by ICSL or reported in the Human Gene Mutation Database (HGMD: prior to June 1st, 2018), and was therefore a candidate for classification through an automated scoring system. Utilizing variant allele frequency, disease prevalence and penetrance estimates, and inheritance mode, an automated score was calculated to assess if this variant is too frequent to cause the disease. Based on the score and internal cut-off values, a variant classified as benign is not then subjected to further curation. The score for this variant resulted in a classification of benign for this disease.

NM_000529.2(MC2R):c.*2528T>G

Gene: MC2R (melanocortin 2 receptor; minus strand). Cytogenetic location: 18p11.21.
Variant type: single nucleotide variant.
Coding change: c.*2528T>G on transcript NM_000529.2 (MANE Select); 2528 bases downstream of the stop codon, T replaced by G.
Molecular consequence: 3 prime UTR variant.
Genome position (GRCh38, 1-based): chr18:13,882,097, A>C on the plus strand (T>G on the coding strand, the complement: MC2R is on the minus strand). VCF-style: chr18-13882097-A-C. GRCh37 (hg19) VCF-style: chr18-13882096-A-C.
Other names: c.*2528T>G (NM_001291911.1).
Identifiers: ClinVar variation 326122 (VCV000326122.5), dbSNP rs150288954, ClinGen allele CA10650544.
Genomic context (GRCh38, chr18:13,882,097, plus strand): 5'-AGAGGAAACATCCTTCCTTTTTTATTAGACAGGGCTCAGAATTACTATCAGCTTGAGTAC[A>C]CATCCTGAACATTTTCAGCTATCTGGTCCAAGGCTAGGTCATCGATAAAGCTGAACACTC-3'